The following is an entry in ClinVar:

ClinVar aggregate classification (germline): Conflicting classifications of pathogenicity. Review status: criteria provided, conflicting classifications (1 of 4 stars). 2 submissions from 2 submitters: Uncertain significance (1); Likely benign (1). Last evaluated 2025-08-13.

Allele frequency attached by ClinVar (database versions not stated): 1000 Genomes Project 30x 0.00016; 1000 Genomes Project 0.00020; TOPMed 0.00096; ESP Exome Variant Server 0.00123; gnomAD exomes 0.00132; gnomAD 0.00134; ExAC 0.00247.
gnomAD v4.1: 2,096 of 1,580,678 alleles (0.13%); highest among the groups gnomAD compares: Non-Finnish European, 0.14%; 6 homozygotes.

Submissions (2):

Ambry Genetics
Classification: Uncertain significance. Last evaluated: 2025-08-13. Review status: criteria provided, single submitter. Criteria: Ambry Variant Classification Scheme 2023. Collection method: clinical testing. Allele origin: germline.

CeGaT Center for Human Genetics Tuebingen
Classification: Likely benign. Last evaluated: 2022-09-01. Review status: criteria provided, single submitter. Criteria: CeGaT Center For Human Genetics Tuebingen Variant Classification Criteria Version 2. Collection method: clinical testing. Allele origin: germline. Affected: yes. Observed: 1 variant allele.
Comment: CEP131: BP4, BS2

NM_014984.4(CEP131):c.2174G>T (p.Arg725Met)

Gene: CEP131 (centrosomal protein 131; minus strand). Cytogenetic location: 17q25.3.
Variant type: single nucleotide variant.
Coding change: c.2174G>T on transcript NM_014984.4 (MANE Select); coding-DNA position 2174, G replaced by T.
Protein change: p.Arg725Met; replaces arginine 725 with methionine.
Molecular consequence: missense variant.
Genome position (GRCh38, 1-based): chr17:81,194,073, C>A on the plus strand (G>T on the coding strand, the complement: CEP131 is on the minus strand). VCF-style: chr17-81194073-C-A. GRCh37 (hg19) VCF-style: chr17-79167873-C-A.
Other names: c.2174G>T, p.Arg725Met (NM_001009811.4); c.2183G>T, p.Arg728Met (NM_001319228.2, NM_001319229.2); c.2174G>T (NM_014984.2); short protein forms R725M, R728M.
Identifiers: ClinVar variation 2648436 (VCV002648436.25), dbSNP rs148653755, ClinGen allele CA8829504.
Genomic context (GRCh38, chr17:81,194,073, plus strand): 5'-CAGCGCTGCGAGGCCCGCTCATCCGACTGCAGCAGCTCCGCCTCGTGCAGGCTCTTGAGC[C>A]TCCGCACTTCCTGCTTGTGCCTTGCAATCAGCTTCTGGATCTCGGGCTCCAGACCTGGGG-3'
Protein context (NP_055799.2, residues 715-735): LIARHKQEVR[Arg725Met]LKSLHEAELL